The following is an entry in ClinVar:

ClinVar aggregate classification (germline): Uncertain significance. Review status: criteria provided, multiple submitters, no conflicts (2 of 4 stars). 11 submissions from 9 submitters: Uncertain significance (11). Last evaluated 2025-12-22.

Conditions:
Cardiomyopathy (CMYO). Also called: Cardiomyopathies. Identifiers: Orphanet 167848, MedGen C0878544, MONDO:0004994, HP:0001638. Inheritance: Various modes of inheritance.
Dilated cardiomyopathy 1D. Identifiers: Orphanet 154, Orphanet 54260, MedGen C1832243, MONDO:0011095, OMIM 601494.
Cardiomyopathy, familial restrictive, 3. Identifiers: Orphanet 75249, MedGen C2676271, MONDO:0012900, OMIM 612422.
Hypertrophic cardiomyopathy 2. Also called: TNNT2-Related Familial Hypertrophic Cardiomyopathy. Identifiers: MedGen C1861864, MONDO:0007266, OMIM 115195.

Allele frequency attached by ClinVar (database versions not stated): ExAC below 0.00001; gnomAD exomes below 0.00001 and 0.00002; gnomAD 0.00001; TOPMed 0.00002.
gnomAD v4.1: 24 of 1,591,488 alleles (0.0015%); highest among the groups gnomAD compares: Non-Finnish European, 0.002%; no homozygotes.

Submissions (11):

Labcorp Genetics (formerly Invitae), Labcorp
Classification: Uncertain significance for Cardiomyopathy, familial restrictive, 3; Hypertrophic cardiomyopathy 2; Dilated cardiomyopathy 1D. Last evaluated: 2025-12-22. Review status: criteria provided, single submitter. Criteria: Invitae Variant Classification Sherloc (09022015). Collection method: clinical testing. Allele origin: germline.
Comment: This sequence change replaces asparagine, which is neutral and polar, with serine, which is neutral and polar, at codon 262 of the TNNT2 protein (p.Asn262Ser). The frequency data for this variant in the population databases is considered unreliable, as metrics indicate poor data quality at this position in the gnomAD database. This missense change has been observed in individual(s) with hypertrophic cardiomyopathy (PMID: 20031602, 25524337, 27532257, 33588347, 37652022). This variant is also known as c.815A>G p.N272S. ClinVar contains an entry for this variant (Variation ID: 43671). Invitae Evidence Modeling of protein sequence and biophysical properties (such as structural, functional, and spatial information, amino acid conservation, physicochemical variation, residue mobility, and thermodynamic stability) indicates that this missense variant is not expected to disrupt TNNT2 protein function with a negative predictive value of 80%. Experimental studies have shown that this missense change does not substantially affect TNNT2 function (PMID: 33025817). In summary, the available evidence is currently insufficient to determine the role of this variant in disease. Therefore, it has been classified as a Variant of Uncertain Significance.

Color Diagnostics, LLC DBA Color Health
Classification: Uncertain significance for Cardiomyopathy. Last evaluated: 2025-09-12. Review status: criteria provided, single submitter. Criteria: ACMG Guidelines, 2015. Collection method: clinical testing. Allele origin: germline.
Comment: This missense variant replaces asparagine with serine at codon 262 of the TNNT2 protein. Computational prediction suggests that this variant may not impact protein structure and function. A functional study has shown that this variant does not significantly affect TNNT2 function (PMID: 33025817). This variant has been reported in over ten individuals affected with hypertrophic cardiomyopathy (PMID: 25524337, 26455666, 27552257, 32492895, 35514357). This variant has been identified in 1/215618 chromosomes in the general population by the Genome Aggregation Database (gnomAD). Although there is a suspicion that this variant may be associated with disease, additional studies are necessary to determine the role of this variant in disease conclusively. Therefore, this variant is classified as a Variant of Uncertain Significance.

All of Us Research Program, National Institutes of Health
Classification: Uncertain significance for Cardiomyopathy. Last evaluated: 2023-09-17. Review status: criteria provided, single submitter. Criteria: ACMG Guidelines, 2015. Collection method: clinical testing. Allele origin: germline. Inheritance: Autosomal dominant inheritance. Observed: 2 variant alleles, 2 heterozygotes.
Comment: This missense variant replaces asparagine with serine at codon 262 of the TNNT2 protein. Computational prediction suggests that this variant may not impact protein structure and function (internally defined REVEL score threshold <= 0.5, PMID: 27666373). A functional study has shown that this variant does not significantly affect TNNT2 function (PMID: 33025817). This variant has been reported in over ten individuals affected with hypertrophic cardiomyopathy (PMID: 25524337, 26455666, 27552257, 32492895, 35514357). This variant has been identified in 1/215618 chromosomes in the general population by the Genome Aggregation Database (gnomAD). Although there is a suspicion that this variant may be associated with disease, additional studies are necessary to determine the role of this variant in disease conclusively. Therefore, this variant is classified as a Variant of Uncertain Significance.

This study involves interpretation of variants in research participants for the purpose of population health screening. Participant phenotype was not available at the time of variant classification. Additional details can be found in publication PMID: 35346344, PMCID: PMC8962531

CeGaT Center for Human Genetics Tuebingen
Classification: Uncertain significance. Last evaluated: 2023-06-01. Review status: criteria provided, single submitter. Criteria: CeGaT Center For Human Genetics Tuebingen Variant Classification Criteria Version 2. Collection method: clinical testing. Allele origin: germline. Affected: yes. Observed: 1 variant allele.
Comment: TNNT2: PM2, PS4:Supporting

Genome-Nilou Lab
Classification: Uncertain significance for Dilated cardiomyopathy 1D. Last evaluated: 2023-04-11. Review status: criteria provided, single submitter. Criteria: ACMG Guidelines, 2015. Collection method: clinical testing. Allele origin: germline. Affected: no.

Genome-Nilou Lab
Classification: Uncertain significance for Cardiomyopathy, familial restrictive, 3. Last evaluated: 2023-04-11. Review status: criteria provided, single submitter. Criteria: ACMG Guidelines, 2015. Collection method: clinical testing. Allele origin: germline. Affected: no.

Genome-Nilou Lab
Classification: Uncertain significance for Hypertrophic cardiomyopathy 2. Last evaluated: 2023-04-11. Review status: criteria provided, single submitter. Criteria: ACMG Guidelines, 2015. Collection method: clinical testing. Allele origin: germline. Affected: no.

GeneDx
Classification: Uncertain significance. Last evaluated: 2023-01-06. Review status: criteria provided, single submitter. Criteria: GeneDx Variant Classification Process June 2021. Collection method: clinical testing. Allele origin: germline. Affected: yes.
Comment: In silico analysis supports that this missense variant does not alter protein structure/function; Not observed at significant frequency in large population cohorts (gnomAD); This variant is associated with the following publications: (PMID: 20031602, 33025817, 32492895, 25524337, 27532257)

Victorian Clinical Genetics Services, Murdoch Childrens Research Institute
Classification: Uncertain significance for Hypertrophic cardiomyopathy 2. Last evaluated: 2022-02-02. Review status: criteria provided, single submitter. Criteria: ACMG Guidelines, 2015. Collection method: clinical testing. Allele origin: germline. Inheritance: Autosomal dominant inheritance.
Comment: Based on the classification scheme VCGS_Germline_v1.3.4, this variant is classified as VUS-3A. Following criteria are met: 0105 - The mechanism of disease for this gene is not clearly established. Functional studies have suggested loss-of-function, gain-of-function and dominant-negative mechanisms based on calcium sensitivity, contractibility and mouse models (PMID: 18612386, 32098556, 33025817). (I) 0107 - This gene is associated with autosomal dominant disease. (I) 0115 - Variants in this gene are known to have variable expressivity. The p.(Arg92Gln) variant has been described in families with both DCM and HCM phenotypes (PMID: 26507537). (I) 0200 - Variant is predicted to result in a missense amino acid change from asparagine to serine. (I) 0251 - This variant is heterozygous. (I) 0302 - Variant is present in gnomAD (v2) <0.001 for a dominant condition (1 heterozygote, 0 homozygotes). (SP) 0502 - Missense variant with conflicting in silico predictions and uninformative conservation. (I) 0600 - Variant is located in the annotated Troponin domain (NCBI domain). (I) 0710 - Another missense variant comparable to the one identified in this case has inconclusive previous evidence for pathogenicity. A different variant in the same codon resulting in a change to aspartic acid has been reported in an individual with HCM (PMID: 23233322). (I) 0809 - Previous evidence of pathogenicity for this variant is inconclusive. This variant has been reported in at least ten individuals with HCM but is commonly classified as a VUS (ClinVar, Invitae personal communication, PMID: 20031602, PMID: 27532257, PMID: 26455666, PMID: 32492895). (I) 0905 - No published segregation evidence has been identified for this variant. (I) 1007 - No published functional evidence has been identified for this variant. (I) 1208 - Inheritance information for this variant is not currently available in this individual. (I) Legend: (SP) - Supporting pathogenic, (I) - Information, (SB) - Supporting benign

Blueprint Genetics
Classification: Uncertain significance. Last evaluated: 2020-12-31. Review status: criteria provided, single submitter. Criteria: ACMG Guidelines, 2015. Collection method: clinical testing. Allele origin: germline.

Laboratory for Molecular Medicine, Mass General Brigham Personalized Medicine
Classification: Uncertain significance. Last evaluated: 2019-07-10. Review status: criteria provided, single submitter. Criteria: ACMG Guidelines, 2015. Collection method: clinical testing. Allele origin: germline.
Comment: The p.Asn262Ser variant in TNNT2 has been reported in at least 7 individuals with HCM and segregated with disease in 1 affected relative from 1 family (Ho 2009, Lopes 2015, Walsh 2016, LMM data). This variant has also been reported by other clinical laboratories in ClinVar (Variation ID 43671) and has been identified in 1/93044 European chromosomes by gnomAD. Computational prediction tools and conservation analyses suggest that this variant may not impact the protein, though this information is not predictive enough to rule out pathogenicity. In summary, the clinical significance of the p.Asn262Ser variant is uncertain. ACMG/AMP Criteria applied: PM2, PS4_Moderate, BP4.

Literature cited by the submitters: PubMed 20031602 (cited by 3 submitters); PubMed 25524337 (cited by 4 submitters); PubMed 27532257 (cited by 3 submitters); PubMed 33588347 (cited by Labcorp Genetics (formerly Invitae), Labcorp); PubMed 37652022 (cited by Labcorp Genetics (formerly Invitae), Labcorp); PubMed 33025817 (cited by 4 submitters); PubMed 26455666 (cited by 4 submitters); PubMed 27552257 (cited by Color Diagnostics, LLC DBA Color Health and All of Us Research Program, National Institutes of Health); PubMed 32492895 (cited by 3 submitters); PubMed 35514357 (cited by Color Diagnostics, LLC DBA Color Health and All of Us Research Program, National Institutes of Health); PubMed 18612386 (cited by Victorian Clinical Genetics Services, Murdoch Childrens Research Institute); PubMed 23233322 (cited by Victorian Clinical Genetics Services, Murdoch Childrens Research Institute); PubMed 26507537 (cited by Victorian Clinical Genetics Services, Murdoch Childrens Research Institute); PubMed 32098556 (cited by Victorian Clinical Genetics Services, Murdoch Childrens Research Institute).

NM_001276345.2(TNNT2):c.815A>G (p.Asn272Ser)

Gene: TNNT2 (troponin T2, cardiac type; minus strand). Cytogenetic location: 1q32.1.
Variant type: single nucleotide variant.
Coding change: c.815A>G on transcript NM_001276345.2 (MANE Select); coding-DNA position 815, A replaced by G.
Protein change: p.Asn272Ser; replaces asparagine 272 with serine.
Molecular consequence: missense variant.
Genome position (GRCh38, 1-based): chr1:201,359,659, T>C on the plus strand (A>G on the coding strand, the complement: TNNT2 is on the minus strand). VCF-style: chr1-201359659-T-C. GRCh37 (hg19) VCF-style: chr1-201328787-T-C.
Other names: c.806A>G, p.Asn269Ser (NM_000364.4); c.785A>G, p.Asn262Ser (NM_001001430.3, NM_001276347.2); c.776A>G, p.Asn259Ser (NM_001001431.3); c.767A>G, p.Asn256Ser (NM_001001432.3); c.686A>G, p.Asn229Ser (NM_001276346.2); c.806A>G (NM_000364.3); short protein forms N262S, N269S, N229S, N259S, N256S, N272S.
Identifiers: ClinVar variation 43671 (VCV000043671.47), dbSNP rs397516483, ClinGen allele CA033897.